The following is an entry in ClinVar:

NM_015466.4(PTPN23):c.2323C>A (p.Pro775Thr)

Gene: PTPN23 (protein tyrosine phosphatase non-receptor type 23; plus strand). Cytogenetic location: 3p21.31.
Variant type: single nucleotide variant.
Coding change: c.2323C>A on transcript NM_015466.4 (MANE Select); coding-DNA position 2323, C replaced by A.
Protein change: p.Pro775Thr; replaces proline 775 with threonine.
Molecular consequence: missense variant.
Genome position (GRCh38, 1-based): chr3:47,410,121, C>A. VCF-style: chr3-47410121-C-A. GRCh37 (hg19) VCF-style: chr3-47451611-C-A.
Other names: c.1945C>A, p.Pro649Thr (NM_001304482.2); short protein forms P649T, P775T.
Identifiers: ClinVar variation 1468728 (VCV001468728.4), dbSNP rs1395332363, ClinGen allele CA352558190.
Genomic context (GRCh38, chr3:47,410,121, plus strand): 5'-GGCCCACGACTGCCTGACACCTTCCTGGGAAGTGCCACCCCGCTCCACTTTCCTCCCAGC[C>A]CCTTCCCCAGCTCCACAGGCCCAGGACCCCACTATCTCTCAGGCCCCTTGCCCCCTGGTA-3'
Protein context (NP_056281.1, residues 765-785): SATPLHFPPS[Pro775Thr]FPSSTGPGPH

ClinVar aggregate classification (germline): Uncertain significance (1 of 4 stars; one submission).

Allele frequency attached by ClinVar (database versions not stated): TOPMed below 0.00001; gnomAD exomes 0.00001.
gnomAD v4.1: 10 of 1,598,810 alleles (0.00063%); highest among the groups gnomAD compares: Non-Finnish European, 0.00068%; no homozygotes.

Submission:

Labcorp Genetics (formerly Invitae), Labcorp
Classification: Uncertain significance. Last evaluated: 2021-10-13. Review status: criteria provided, single submitter. Criteria: Invitae Variant Classification Sherloc (09022015). Collection method: clinical testing. Allele origin: germline.
Comment: In summary, the available evidence is currently insufficient to determine the role of this variant in disease. Therefore, it has been classified as a Variant of Uncertain Significance. Algorithms developed to predict the effect of missense changes on protein structure and function are either unavailable or do not agree on the potential impact of this missense change (SIFT: "Tolerated"; PolyPhen-2: "Not Available"; Align-GVGD: "Class C0"). This variant has not been reported in the literature in individuals affected with PTPN23-related conditions. This variant is not present in population databases (ExAC no frequency). This sequence change replaces proline with threonine at codon 775 of the PTPN23 protein (p.Pro775Thr). The proline residue is moderately conserved and there is a small physicochemical difference between proline and threonine.